The following is an entry in ClinVar:

ClinVar aggregate classification (germline): Uncertain significance. Review status: criteria provided, multiple submitters, no conflicts (2 of 4 stars). 4 submissions from 4 submitters: Uncertain significance (4). Last evaluated 2024-02-27.

Conditions:
Primary ciliary dyskinesia 15. Also called: CILIARY DYSKINESIA, PRIMARY, 15, WITH OR WITHOUT SITUS INVERSUS. Identifiers: Orphanet 244, MedGen C3151137, MONDO:0013435, OMIM 613808.
Primary ciliary dyskinesia. Also called: Ciliary dyskinesia. Identifiers: Orphanet 244, MedGen C0008780, MONDO:0016575, HP:0012265.

Allele frequency attached by ClinVar (database versions not stated): TOPMed 0.00008; ExAC 0.00009; gnomAD 0.00010; gnomAD exomes 0.00013 and 0.00007; 1000 Genomes Project 30x 0.00016; 1000 Genomes Project 0.00020.
gnomAD v4.1: 202 of 1,614,180 alleles (0.013%); highest among the groups gnomAD compares: Non-Finnish European, 0.016%; no homozygotes.

Submissions (4):

Ambry Genetics
Classification: Uncertain significance for Primary ciliary dyskinesia. Last evaluated: 2024-02-27. Review status: criteria provided, single submitter. Criteria: Ambry Variant Classification Scheme 2023. Collection method: clinical testing. Allele origin: germline.

Labcorp Genetics (formerly Invitae), Labcorp
Classification: Uncertain significance for Primary ciliary dyskinesia. Last evaluated: 2022-07-19. Review status: criteria provided, single submitter. Criteria: Invitae Variant Classification Sherloc (09022015). Collection method: clinical testing. Allele origin: germline.
Comment: This sequence change replaces arginine, which is basic and polar, with histidine, which is basic and polar, at codon 999 of the CCDC40 protein (p.Arg999His). This variant is present in population databases (rs201293301, gnomAD 0.01%). This variant has not been reported in the literature in individuals affected with CCDC40-related conditions. ClinVar contains an entry for this variant (Variation ID: 454887). Algorithms developed to predict the effect of missense changes on protein structure and function are either unavailable or do not agree on the potential impact of this missense change (SIFT: "Deleterious"; PolyPhen-2: "Probably Damaging"; Align-GVGD: "Class C0"). In summary, the available evidence is currently insufficient to determine the role of this variant in disease. Therefore, it has been classified as a Variant of Uncertain Significance.

Fulgent Genetics
Classification: Uncertain significance for Primary ciliary dyskinesia 15. Last evaluated: 2022-03-03. Review status: criteria provided, single submitter. Criteria: ACMG Guidelines, 2015. Collection method: clinical testing. Allele origin: unknown.

UNC Molecular Genetics  Laboratory, University of North Carolina at Chapel Hill
Classification: Uncertain significance for Primary ciliary dyskinesia. Last evaluated: 2019-01-14. Review status: criteria provided, single submitter. Criteria: ACMG Guidelines, 2015. Collection method: clinical testing. Allele origin: germline. Observed: 1 heterozygote.

NM_017950.4(CCDC40):c.2996G>A (p.Arg999His)

Gene: CCDC40 (coiled-coil domain 40 molecular ruler complex subunit; plus strand). Cytogenetic location: 17q25.3.
Variant type: single nucleotide variant.
Coding change: c.2996G>A on transcript NM_017950.4 (MANE Select); coding-DNA position 2996, G replaced by A.
Protein change: p.Arg999His; replaces arginine 999 with histidine.
Molecular consequence: missense variant.
Genome position (GRCh38, 1-based): chr17:80,095,426, G>A. VCF-style: chr17-80095426-G-A. GRCh37 (hg19) VCF-style: chr17-78069225-G-A.
Other names: short protein forms R999H.
Identifiers: ClinVar variation 454887 (VCV000454887.11), dbSNP rs201293301, ClinGen allele CA8814569.